The following is an entry in ClinVar:

NM_000038.6(APC):c.704del (p.Leu235fs)

Gene: APC (APC regulator of Wnt signaling pathway; plus strand). Cytogenetic location: 5q22.2.
Variant type: Deletion.
Coding change: c.704del on transcript NM_000038.6 (MANE Select); coding-DNA position 704, one base deleted (T; older notation c.704delT).
Protein change: p.Leu235fs; shifts the reading frame from leucine 235.
Molecular consequence: frameshift variant. On other transcripts: 5 prime UTR variant (4), non-coding transcript variant (2), intron variant (5).
Genome position (GRCh38, 1-based): chr5:112,792,504, T deleted; the last of 4 consecutive T bases (chr5:112,792,501-112,792,504); deleting any one gives the same sequence. VCF-style (leftmost placement, unchanged base first): chr5-112792500-CT-C. GRCh37 (hg19) VCF-style: chr5-112128197-CT-C.
Other names: c.704del, p.Leu235fs (NM_001127510.3, NM_001354895.2, NM_001354896.2 and 12 more transcripts); c.734del, p.Leu245fs (NM_001354897.2, NM_001354902.2, NM_001407446.1); c.629del, p.Leu210fs (NM_001354898.2, NM_001354904.2, NM_001407451.1); c.527del, p.Leu176fs (NM_001354900.2, NM_001354901.2, NM_001354905.2 and 1 more transcripts); c.-332del (NM_001354906.2, NM_001407470.1, NM_001407471.1 and 1 more transcripts); c.646-8775del (NM_001407452.1, NM_001407469.1, NM_001354899.2 and 1 more transcripts); c.676-8775del (NM_001127511.3); short protein forms L176fs, L210fs, L235fs, L245fs.
Identifiers: ClinVar variation 2584319 (VCV002584319.2), dbSNP rs2532633705, ClinGen allele CA2582341377.

ClinVar aggregate classification (germline): Pathogenic (1 of 4 stars; one submission).

Conditions:
Familial adenomatous polyposis 1 (FAP1). Also called: FAMILIAL ADENOMATOUS POLYPOSIS 1, ATTENUATED; POLYPOSIS, ADENOMATOUS INTESTINAL. Identifiers: MedGen C2713442, MONDO:0021056, OMIM 175100. Disease mechanism: loss of function.

Submission:

Myriad Genetics, Inc.
Classification: Pathogenic for Familial adenomatous polyposis 1. Last evaluated: 2023-04-27. Review status: criteria provided, single submitter. Criteria: Myriad Autosomal Dominant, Autosomal Recessive and X-Linked Classification Criteria (2023). Collection method: clinical testing. Allele origin: unknown.
Comment: This variant is considered pathogenic. This variant creates a frameshift predicted to result in premature protein truncation.